The following is an entry in ClinVar:

NM_015694.3(ZNF777):c.1887C>T (p.Gly629=)

Gene: ZNF777 (zinc finger protein 777; minus strand). Cytogenetic location: 7q36.1.
Variant type: single nucleotide variant.
Coding change: c.1887C>T on transcript NM_015694.3 (MANE Select); coding-DNA position 1887, C replaced by T.
Protein change: p.Gly629=; no amino-acid change (glycine 629 retained).
Molecular consequence: synonymous variant.
Genome position (GRCh38, 1-based): chr7:149,432,385, G>A on the plus strand (C>T on the coding strand, the complement: ZNF777 is on the minus strand). VCF-style: chr7-149432385-G-A. GRCh37 (hg19) VCF-style: chr7-149129476-G-A.
Identifiers: ClinVar variation 2658143 (VCV002658143.24), dbSNP rs377235647, ClinGen allele CA4552219.

ClinVar aggregate classification (germline): Likely benign (1 of 4 stars; one submission).

Allele frequency attached by ClinVar (database versions not stated): gnomAD 0.00066; ExAC 0.00073; TOPMed 0.00077; ESP Exome Variant Server 0.00078; gnomAD exomes 0.00090.

Submission:

CeGaT Center for Human Genetics Tuebingen
Classification: Likely benign. Last evaluated: 2022-11-01. Review status: criteria provided, single submitter. Criteria: CeGaT Center For Human Genetics Tuebingen Variant Classification Criteria Version 2. Collection method: clinical testing. Allele origin: germline. Affected: yes. Observed: 1 variant allele.
Comment: ZNF777: BP4, BP7